The following is an entry in ClinVar:

NM_001009944.3(PKD1):c.926del (p.Asp309fs)

Gene: PKD1 (polycystin 1, transient receptor potential channel interacting; minus strand). Cytogenetic location: 16p13.3.
Variant type: Deletion.
Coding change: c.926del on transcript NM_001009944.3 (MANE Select); coding-DNA position 926, one base deleted (A; older notation c.926delA).
Protein change: p.Asp309fs; shifts the reading frame from aspartic acid 309.
Molecular consequence: frameshift variant.
Genome position (GRCh38, 1-based): chr16:2,118,066, T deleted on the plus strand (A on the coding strand, the reverse complement: PKD1 is on the minus strand). VCF-style (leftmost placement, unchanged base first): chr16-2118065-GT-G. GRCh37 (hg19) VCF-style: chr16-2168066-GT-G.
Other names: c.926del, p.Asp309fs (NM_000296.4); short protein forms D309fs.
Identifiers: ClinVar variation 5038180 (VCV005038180.1).

ClinVar aggregate classification (germline): Pathogenic (1 of 4 stars; one submission).

Conditions:
Polycystic kidney disease, adult type (PKD1). Also called: Polycystic Kidney Disease 1, Autosomal Dominant; POLYCYSTIC KIDNEY DISEASE, ADULT, TYPE I; Polycystic kidney disease 1; Polycystic kidney disease 1, severe; POLYCYSTIC KIDNEY DISEASE 1 WITH OR WITHOUT POLYCYSTIC LIVER DISEASE; Polycystic Kidney, Autosomal Dominant. Identifiers: MedGen C3149841, MONDO:0008263, OMIM 173900.

Submission:

MVZ Medizinische Genetik Mainz
Classification: Pathogenic for Polycystic kidney disease, adult type. Last evaluated: 2026-09-29. Review status: criteria provided, single submitter. Criteria: UK Practice Guidelines For Variant Classification V4 01 2020. Collection method: clinical testing. Allele origin: germline. Inheritance: Autosomal dominant inheritance. Affected: yes. Observed: 1 variant allele.
Comment: ACMG Criteria: PVS1,PM2_SUP,PP4